The following is an entry in ClinVar:

ClinVar aggregate classification (germline): Likely benign (0 of 4 stars; one submission).

Conditions:
MYOM2-related disorder. Also called: MYOM2-related condition.

Allele frequency attached by ClinVar (database versions not stated): TOPMed 0.00019; gnomAD 0.00023.

Submission:

PreventionGenetics, part of Exact Sciences
Classification: Likely benign for MYOM2-related condition. Last evaluated: 2022-04-01. Review status: no assertion criteria provided. Collection method: clinical testing. Allele origin: germline.
Comment: This variant is classified as likely benign based on ACMG/AMP sequence variant interpretation guidelines (Richards et al. 2015 PMID: 25741868, with internal and published modifications).

NM_003970.4(MYOM2):c.3780G>A (p.Met1260Ile)

Gene: MYOM2 (myomesin 2; plus strand). Cytogenetic location: 8p23.3.
Variant type: single nucleotide variant.
Coding change: c.3780G>A on transcript NM_003970.4 (MANE Select); coding-DNA position 3780, G replaced by A.
Protein change: p.Met1260Ile; replaces methionine 1260 with isoleucine.
Molecular consequence: missense variant.
Genome position (GRCh38, 1-based): chr8:2,129,212, G>A. VCF-style: chr8-2129212-G-A. GRCh37 (hg19) VCF-style: chr8-2077200-G-A.
Other names: short protein forms M1260I.
Identifiers: ClinVar variation 3054672 (VCV003054672.2), dbSNP rs199864100, ClinGen allele CA170463837.
Genomic context (GRCh38, chr8:2,129,212, plus strand): 5'-ACTCTGCACCCCAGAAGGAATACGACTTCAGTGTTTCATGAAGTATTTTACAGACGAAAT[G>A]AAAGTGAACTGGTGTCACAAGTAAGTATGACAGCAGCCGATGGAGGCCATGCCATAGATG-3'
Protein context (NP_003961.3, residues 1250-1270): QCFMKYFTDE[Met1260Ile]KVNWCHKDAK